The following is an entry in ClinVar:

ClinVar aggregate classification (germline): Pathogenic. Review status: criteria provided, multiple submitters, no conflicts (2 of 4 stars). 2 submissions from 2 submitters: Pathogenic (2). Last evaluated 2026-05-11.

Conditions:
Ehlers-Danlos syndrome due to tenascin-X deficiency (EDSCLL1). Also called: EDS DUE TO TNX DEFICIENCY; TNX DEFICIENCY; EHLERS-DANLOS SYNDROME, CLASSIC-LIKE; Ehlers-Danlos syndrome, classic-like, 1; TNXB-Related Classical-Like Ehlers-Danlos Syndrome. Identifiers: Orphanet 230839, MedGen C1848029, MONDO:0011670, OMIM 606408.

Submissions (2):

Myriad Genetics, Inc.
Classification: Pathogenic for Ehlers-Danlos syndrome due to tenascin-X deficiency. Last evaluated: 2026-05-11. Review status: criteria provided, single submitter. Criteria: Myriad Autosomal Dominant, Autosomal Recessive and X-Linked Classification Criteria (2023). Collection method: clinical testing. Allele origin: unknown.
Comment: NM_019105.6(TNXB):c.8278C>T(Q2760*) is expected to be pathogenic in the context of classical-like Ehlers-Danlos syndrome, TNXB-related. This variant is predicted to lead to an abnormal or absent protein product due to the creation of a premature termination codon in TNXB, a gene where loss-of-function variants are known to be pathogenic. Please note: this variant was assessed in the context of healthy population screening.

CeGaT Center for Human Genetics Tuebingen
Classification: Pathogenic. Last evaluated: 2022-06-01. Review status: criteria provided, single submitter. Criteria: CeGaT Center For Human Genetics Tuebingen Variant Classification Criteria Version 2. Collection method: clinical testing. Allele origin: germline. Affected: yes. Observed: 1 variant allele.
Comment: TNXB: PVS1, PM2

NM_001365276.2(TNXB):c.8278C>T (p.Gln2760Ter)

Gene: TNXB (tenascin XB; minus strand). Cytogenetic location: 6p21.33.
Variant type: single nucleotide variant.
Coding change: c.8278C>T on transcript NM_001365276.2 (MANE Select); coding-DNA position 8278, C replaced by T.
Protein change: p.Gln2760Ter; replaces glutamine 2760 with a stop codon.
Molecular consequence: nonsense.
Genome position (GRCh38, 1-based): chr6:32,056,040, G>A on the plus strand (C>T on the coding strand, the complement: TNXB is on the minus strand). VCF-style: chr6-32056040-G-A. GRCh37 (hg19) VCF-style: chr6-32023817-G-A.
Other names: c.8278C>T, p.Gln2760Ter (NM_019105.8); short protein forms Q2760*.
Identifiers: ClinVar variation 2656444 (VCV002656444.25), dbSNP rs746525428, ClinGen allele CA363549366.